The following is an entry in ClinVar:

ClinVar aggregate classification (germline): Uncertain significance (1 of 4 stars; one submission).

Conditions:
Inborn genetic diseases. Identifiers: MedGen C0950123, MeSH D030342.

Submission:

Ambry Genetics
Classification: Uncertain significance for Inborn genetic diseases. Last evaluated: 2025-07-10. Review status: criteria provided, single submitter. Criteria: Ambry Variant Classification Scheme 2023. Collection method: clinical testing. Allele origin: germline.
Comment: The c.2338+5G>T intronic alteration consists of a G to T substitution 5 nucleotides after coding exon 8 in the HECW2 gene. This variant was not reported in population-based cohorts in the Genome Aggregation Database (gnomAD). This nucleotide position is highly conserved in available vertebrate species. In silico splice site analysis predicts that this alteration may weaken the native splice donor site. Based on insufficient or conflicting evidence, the clinical significance of this alteration remains unclear.

NM_001348768.2(HECW2):c.2338+5G>T

Gene: HECW2 (HECT, C2 and WW domain containing E3 ubiquitin protein ligase 2; minus strand). Cytogenetic location: 2q32.3.
Variant type: single nucleotide variant.
Coding change: c.2338+5G>T on transcript NM_001348768.2 (MANE Select); 5 bases into the intron after coding-DNA position 2338, G replaced by T.
Molecular consequence: intron variant.
Genome position (GRCh38, 1-based): chr2:196,318,547, C>A on the plus strand (G>T on the coding strand, the complement: HECW2 is on the minus strand). VCF-style: chr2-196318547-C-A. GRCh37 (hg19) VCF-style: chr2-197183271-C-A.
Other names: c.2338+5G>T (NM_020760.4); c.1270+5G>T (NM_001304840.3).
Identifiers: ClinVar variation 4269856 (VCV004269856.1).